The following is an entry in ClinVar:

ClinVar aggregate classification (germline): Uncertain significance (1 of 4 stars; one submission).

Conditions:
Sterile multifocal osteomyelitis with periostitis and pustulosis. Also called: CHRONIC RECURRENT MULTIFOCAL OSTEOMYELITIS 2, WITH PERIOSTITIS AND PUSTULOSIS. Identifiers: Orphanet 210115, MedGen C2748507, MONDO:0013021, OMIM 612852.

Submission:

Labcorp Genetics (formerly Invitae), Labcorp
Classification: Uncertain significance for Sterile multifocal osteomyelitis with periostitis and pustulosis. Last evaluated: 2022-05-07. Review status: criteria provided, single submitter. Criteria: Invitae Variant Classification Sherloc (09022015). Collection method: clinical testing. Allele origin: germline.
Comment: In summary, the available evidence is currently insufficient to determine the role of this variant in disease. Therefore, it has been classified as a Variant of Uncertain Significance. This variant has not been reported in the literature in individuals affected with IL1RN-related conditions. This variant is not present in population databases (gnomAD no frequency). This sequence change creates a premature translational stop signal (p.Arg105Serfs*10) in the IL1RN gene. While this is not anticipated to result in nonsense mediated decay, it is expected to disrupt the last 76 amino acid(s) of the IL1RN protein.

NM_173842.3(IL1RN):c.306_312del (p.Arg102fs)

Gene: IL1RN (interleukin 1 receptor antagonist; plus strand). Cytogenetic location: 2q14.1.
Variant type: Deletion.
Coding change: c.306_312del on transcript NM_173842.3 (MANE Select); coding-DNA positions 306 to 312, 7 bases deleted (ACTCCAG; older notation c.306_312delACTCCAG).
Protein change: p.Arg102fs; shifts the reading frame from arginine 102.
Molecular consequence: frameshift variant.
Genome position (GRCh38, 1-based): chr2:113,131,145-113,131,151, ACTCCAG deleted; deleting any 7 consecutive bases within chr2:113,131,141-113,131,151 gives the same sequence; the c. name uses the placement nearest the transcript's 3' end. VCF-style (leftmost placement, unchanged base first): chr2-113131140-ACCAGACT-A. GRCh37 (hg19) VCF-style: chr2-113888717-ACCAGACT-A.
Other names: c.252_258del, p.Arg84fs (NM_000577.5); c.204_210del, p.Arg68fs (NM_001318914.2, NM_001379360.1, NM_173843.3); c.315_321del, p.Arg105fs (NM_173841.3); short protein forms R68fs, R105fs, R84fs, R102fs.
Identifiers: ClinVar variation 2135127 (VCV002135127.4), dbSNP rs2466960959, ClinGen allele CA2580063756.